The following is an entry in ClinVar:

ClinVar aggregate classification (germline): Likely benign. Review status: criteria provided, multiple submitters, no conflicts (2 of 4 stars). 4 submissions from 4 submitters: Likely benign (4). Last evaluated 2024-10-15.

Allele frequency attached by ClinVar (database versions not stated): gnomAD exomes 0.00002 and 0.00003; ExAC 0.00003; TOPMed 0.00007; gnomAD 0.00009; 1000 Genomes Project 30x 0.00031; 1000 Genomes Project 0.00040.
gnomAD v4.1: 48 of 1,613,944 alleles (0.003%); highest among the groups gnomAD compares: African/African-American, 0.039%; no homozygotes.

Submissions (4):

Blueprint Genetics
Classification: Likely benign. Last evaluated: 2024-10-15. Review status: criteria provided, single submitter. Criteria: ACMG Guidelines, 2015. Collection method: clinical testing. Allele origin: germline.

Labcorp Genetics (formerly Invitae), Labcorp
Classification: Likely benign. Last evaluated: 2024-02-02. Review status: criteria provided, single submitter. Criteria: Invitae Variant Classification Sherloc (09022015). Collection method: clinical testing. Allele origin: germline.

GeneDx
Classification: Likely benign. Last evaluated: 2020-05-08. Review status: criteria provided, single submitter. Criteria: GeneDx Variant Classification Process June 2021. Collection method: clinical testing. Allele origin: germline. Affected: yes.

Laboratory for Molecular Medicine, Mass General Brigham Personalized Medicine
Classification: Likely benign. Last evaluated: 2017-01-26. Review status: criteria provided, single submitter. Criteria: LMM Criteria. Collection method: clinical testing. Allele origin: germline. Observed: 2 variant alleles.
Comment: p.Thr537Thr in exon 7 of DFNB31: This variant is not expected to have clinical s ignificance because it does not alter an amino acid residue and is not located w ithin the splice consensus sequence. It has been identified in 10/25862 African chromosomes by the Genome Aggregation Database (gnomAD; dbSNP rs201280818).

NM_015404.4(WHRN):c.1611C>T (p.Thr537=)

Gene: WHRN (whirlin; minus strand). Cytogenetic location: 9q32.
Variant type: single nucleotide variant.
Coding change: c.1611C>T on transcript NM_015404.4 (MANE Select); coding-DNA position 1611, C replaced by T.
Protein change: p.Thr537=; no amino-acid change (threonine 537 retained).
Molecular consequence: synonymous variant.
Genome position (GRCh38, 1-based): chr9:114,423,329, G>A on the plus strand (C>T on the coding strand, the complement: WHRN is on the minus strand). VCF-style: chr9-114423329-G-A. GRCh37 (hg19) VCF-style: chr9-117185609-G-A.
Other names: c.462C>T, p.Thr154= (NM_001083885.3); c.1611C>T, p.Thr537= (NM_001173425.2); c.558C>T, p.Thr186= (NM_001346890.1).
Identifiers: ClinVar variation 505561 (VCV000505561.17), dbSNP rs201280818, ClinGen allele CA5205896.